The following is an entry in ClinVar:

NM_020207.7(ERCC6L2):c.1947+5A>G

Gene: ERCC6L2 (ERCC excision repair 6 like 2; plus strand). Cytogenetic location: 9q22.32.
Variant type: single nucleotide variant.
Coding change: c.1947+5A>G on transcript NM_020207.7 (MANE Select); 5 bases into the intron after coding-DNA position 1947, A replaced by G.
Molecular consequence: intron variant.
Genome position (GRCh38, 1-based): chr9:95,956,018, A>G. VCF-style: chr9-95956018-A-G. GRCh37 (hg19) VCF-style: chr9-98718300-A-G.
Other names: c.1947+5A>G (NM_001375291.1, NM_001375292.1, NM_001375294.1 and 2 more transcripts).
Identifiers: ClinVar variation 1349183 (VCV001349183.6), dbSNP rs1031261807, ClinGen allele CA196590607.

ClinVar aggregate classification (germline): Uncertain significance (1 of 4 stars; one submission).

Allele frequency attached by ClinVar (database versions not stated): TOPMed below 0.00001; gnomAD exomes 0.00003.
gnomAD v4.1: 37 of 1,534,208 alleles (0.0024%); highest among the groups gnomAD compares: Non-Finnish European, 0.0032%; no homozygotes.

Submission:

Labcorp Genetics (formerly Invitae), Labcorp
Classification: Uncertain significance. Last evaluated: 2022-04-19. Review status: criteria provided, single submitter. Criteria: Invitae Variant Classification Sherloc (09022015). Collection method: clinical testing. Allele origin: germline.
Comment: In summary, the available evidence is currently insufficient to determine the role of this variant in disease. Therefore, it has been classified as a Variant of Uncertain Significance. Variants that disrupt the consensus splice site are a relatively common cause of aberrant splicing (PMID: 17576681, 9536098). Algorithms developed to predict the effect of sequence changes on RNA splicing suggest that this variant is not likely to affect RNA splicing. This variant has not been reported in the literature in individuals affected with ERCC6L2-related conditions. This variant is present in population databases (no rsID available, gnomAD 0.007%). This sequence change falls in intron 13 of the ERCC6L2 gene. It does not directly change the encoded amino acid sequence of the ERCC6L2 protein. It affects a nucleotide within the consensus splice site.

Literature cited by the submitters: PubMed 17576681; PubMed 9536098.